The following is an entry in ClinVar:

ClinVar aggregate classification (germline): Benign/Likely benign. Review status: criteria provided, multiple submitters, no conflicts (2 of 4 stars). 3 submissions from 3 submitters: Benign (1); Likely benign (1). 1 of the submissions does not count toward it. Last evaluated 2024-11-11.

Conditions:
Retinal dystrophy. Also called: Inherited retinal dystrophy. Identifiers: Orphanet 71862, MedGen C0854723, MeSH D058499, MONDO:0019118, HP:0000556.
SPP2-related disorder. Also called: SPP2-related condition.

Allele frequency attached by ClinVar (database versions not stated): gnomAD exomes 0.00032; ExAC 0.00073; 1000 Genomes Project 0.00180; gnomAD 0.00208; 1000 Genomes Project 30x 0.00219; TOPMed 0.00232; ESP Exome Variant Server 0.00261.
gnomAD v4.1: 813 of 1,612,458 alleles (0.05%); highest among the groups gnomAD compares: African/African-American, 0.79%; 4 homozygotes.

Submissions (3):

Blueprint Genetics
Classification: Likely benign. Last evaluated: 2024-11-11. Review status: criteria provided, single submitter. Criteria: ACMG Guidelines, 2015. Collection method: clinical testing. Allele origin: germline.

Dept Of Ophthalmology, Nagoya University
Classification: Benign for Retinal dystrophy. Last evaluated: 2023-10-01. Review status: criteria provided, single submitter. Criteria: Submitter's publication. Collection method: research. Allele origin: germline. Affected: yes.

PreventionGenetics, part of Exact Sciences
Classification: Benign for SPP2-related condition. Last evaluated: 2019-08-29. Review status: no assertion criteria provided. Collection method: clinical testing. Allele origin: germline. Not counted in ClinVar's aggregate classification.
Comment: This variant is classified as benign based on ACMG/AMP sequence variant interpretation guidelines (Richards et al. 2015 PMID: 25741868, with internal and published modifications).

NM_006944.3(SPP2):c.*2G>A

Gene: SPP2 (secreted phosphoprotein 2; plus strand). Cytogenetic location: 2q37.1.
Variant type: single nucleotide variant.
Coding change: c.*2G>A on transcript NM_006944.3 (MANE Select); 2 bases downstream of the stop codon, G replaced by A.
Molecular consequence: 3 prime UTR variant.
Genome position (GRCh38, 1-based): chr2:234,070,015, G>A. VCF-style: chr2-234070015-G-A. GRCh37 (hg19) VCF-style: chr2-234978659-G-A.
Other names: c.*2G>A (NM_006944.2).
Identifiers: ClinVar variation 3027537 (VCV003027537.4), dbSNP rs149921508, ClinGen allele CA2183288.
Genomic context (GRCh38, chr2:234,070,015, plus strand): 5'-GAAACAGAAGGTACCCAAACCACCGGCACAGAGCAAGAATAAATACTGACTTTGAGTAAC[G>A]GCCTTGAGGTAAGAAAATGCAGGTGCACACAAGTGTATTTAGAAATAGAAGCTACGTGGA-3'